The following is an entry in ClinVar:

ClinVar aggregate classification (germline): Uncertain significance (1 of 4 stars; one submission).

Submission:

Labcorp Genetics (formerly Invitae), Labcorp
Classification: Uncertain significance. Last evaluated: 2025-11-12. Review status: criteria provided, single submitter. Criteria: Invitae Variant Classification Sherloc (09022015). Collection method: clinical testing. Allele origin: germline.
Comment: This sequence change replaces cysteine, which is neutral and slightly polar, with tyrosine, which is neutral and polar, at codon 31 of the NCSTN protein (p.Cys31Tyr). This variant is not present in population databases (gnomAD no frequency). This variant has not been reported in the literature in individuals affected with NCSTN-related conditions. Invitae Evidence Modeling of protein sequence and biophysical properties (such as structural, functional, and spatial information, amino acid conservation, physicochemical variation, residue mobility, and thermodynamic stability) has been performed for this missense variant. However, the output from this modeling did not meet the statistical confidence thresholds required to predict the impact of this variant on NCSTN protein function. In summary, the available evidence is currently insufficient to determine the role of this variant in disease. Therefore, it has been classified as a Variant of Uncertain Significance.

NM_015331.3(NCSTN):c.92G>A (p.Cys31Tyr)

Gene: NCSTN (nicastrin; plus strand). Cytogenetic location: 1q23.2.
Variant type: single nucleotide variant.
Coding change: c.92G>A on transcript NM_015331.3 (MANE Select); coding-DNA position 92, G replaced by A.
Protein change: p.Cys31Tyr; replaces cysteine 31 with tyrosine.
Molecular consequence: missense variant.
Genome position (GRCh38, 1-based): chr1:160,344,728, G>A. VCF-style: chr1-160344728-G-A. GRCh37 (hg19) VCF-style: chr1-160314518-G-A.
Other names: c.32G>A, p.Cys11Tyr (NM_001290184.2); c.92G>A, p.Cys31Tyr (NM_001290186.2, NM_001349729.2); short protein forms C11Y, C31Y.
Identifiers: ClinVar variation 4779215 (VCV004779215.1).